The following is an entry in ClinVar:

ClinVar aggregate classification (germline): Uncertain significance (1 of 4 stars; one submission).

Conditions:
Malignant hyperthermia, susceptibility to, 1 (MHS1). Also called: Anesthesia related hyperthermia; Malignant hyperpyrexia; Fulminating hyperpyrexia; Pharmacogenic myopathy; Malignant hyperthermia suceptibility 1; RYR1-Related Malignant Hyperthermia Susceptibility. Identifiers: Orphanet 423, MedGen C2930980, MONDO:0007783, OMIM 145600.

gnomAD v4.1: 1 of 1,613,804 alleles (0.000062%); highest among the groups gnomAD compares: Non-Finnish European, 0.000085%; no homozygotes.

Submission:

All of Us Research Program, National Institutes of Health
Classification: Uncertain significance for Malignant hyperthermia, susceptibility to, 1. Last evaluated: 2024-05-17. Review status: criteria provided, single submitter. Criteria: ACMG Guidelines, 2015. Collection method: clinical testing. Allele origin: germline. Inheritance: Autosomal dominant inheritance. Observed: 1 variant allele, 1 heterozygote.
Comment: This study involves interpretation of variants in research participants for the purpose of population health screening. Participant phenotype was not available at the time of variant classification. Additional details can be found in publication PMID: 35346344, PMCID: PMC8962531

NM_000540.3(RYR1):c.14962A>G (p.Asn4988Asp)

Gene: RYR1 (ryanodine receptor 1; plus strand). Cytogenetic location: 19q13.2.
Variant type: single nucleotide variant.
Coding change: c.14962A>G on transcript NM_000540.3 (MANE Select); coding-DNA position 14962, A replaced by G.
Protein change: p.Asn4988Asp; replaces asparagine 4988 with aspartic acid.
Molecular consequence: missense variant.
Genome position (GRCh38, 1-based): chr19:38,586,184, A>G. VCF-style: chr19-38586184-A-G. GRCh37 (hg19) VCF-style: chr19-39076824-A-G.
Other names: c.14947A>G, p.Asn4983Asp (NM_001042723.2); short protein forms N4983D, N4988D.
Identifiers: ClinVar variation 3385639 (VCV003385639.1).